The following is an entry in ClinVar:

ClinVar aggregate classification (germline): Uncertain significance (1 of 4 stars; one submission).

Conditions:
Hereditary cancer-predisposing syndrome. Also called: Tumor predisposition; Hereditary neoplastic syndrome; Hereditary Cancer Syndrome; Neoplastic Syndromes, Hereditary. Identifiers: Orphanet 140162, MedGen C0027672, MeSH D009386, MONDO:0015356.

Submission:

Ambry Genetics
Classification: Uncertain significance for Hereditary cancer-predisposing syndrome. Last evaluated: 2024-02-22. Review status: criteria provided, single submitter. Criteria: Ambry Variant Classification Scheme 2023. Collection method: clinical testing. Allele origin: germline.
Comment: The p.R81G variant (also known as c.241C>G), located in coding exon 2 of the POLD1 gene, results from a C to G substitution at nucleotide position 241. The arginine at codon 81 is replaced by glycine, an amino acid with dissimilar properties. This amino acid position is conserved. In addition, the in silico prediction for this alteration is inconclusive. Based on the available evidence, the clinical significance of this alteration remains unclear.

NM_002691.4(POLD1):c.241C>G (p.Arg81Gly)

Gene: POLD1 (DNA polymerase delta 1, catalytic subunit; plus strand). Cytogenetic location: 19q13.33.
Variant type: single nucleotide variant.
Coding change: c.241C>G on transcript NM_002691.4 (MANE Select); coding-DNA position 241, C replaced by G.
Protein change: p.Arg81Gly; replaces arginine 81 with glycine.
Molecular consequence: missense variant. On other transcripts: non-coding transcript variant (1).
Genome position (GRCh38, 1-based): chr19:50,399,409, C>G. VCF-style: chr19-50399409-C-G. GRCh37 (hg19) VCF-style: chr19-50902666-C-G.
Other names: c.241C>G, p.Arg81Gly (NM_001256849.1, NM_001308632.1); short protein forms R81G.
Identifiers: ClinVar variation 3222721 (VCV003222721.1), dbSNP rs752124373, ClinGen allele CA406970451.